The following is an entry in ClinVar:

NM_031471.6(FERMT3):c.320G>A (p.Arg107His)

Gene: FERMT3 (FERM domain containing kindlin 3; plus strand). Cytogenetic location: 11q13.1.
Variant type: single nucleotide variant.
Coding change: c.320G>A on transcript NM_031471.6 (MANE Select); coding-DNA position 320, G replaced by A.
Protein change: p.Arg107His; replaces arginine 107 with histidine.
Molecular consequence: missense variant. On other transcripts: 5 prime UTR variant (2).
Genome position (GRCh38, 1-based): chr11:64,210,770, G>A. VCF-style: chr11-64210770-G-A. GRCh37 (hg19) VCF-style: chr11-63978242-G-A.
Other names: p.Arg107His; c.320G>A, p.Arg107His (NM_001382361.1, NM_001382362.1, NM_001382448.1 and 1 more transcripts); c.-221G>A (NM_001382363.1, NM_001382364.1); short protein forms R107H.
Identifiers: ClinVar variation 537726 (VCV000537726.19), dbSNP rs138704967, ClinGen allele CA6068705.

ClinVar aggregate classification (germline): Conflicting classifications of pathogenicity. Review status: criteria provided, conflicting classifications (1 of 4 stars). 7 submissions from 7 submitters: Uncertain significance (2); Likely benign (5). Last evaluated 2026-02-16.

Conditions:
FERMT3-related disorder. Also called: FERMT3-related condition.
Inborn genetic diseases. Identifiers: MedGen C0950123, MeSH D030342.
Leukocyte adhesion deficiency 3. Also called: Leukocyte adhesion deficiency, type III; INTEGRIN ACTIVATION DEFICIENCY DISEASE; LEUKOCYTE ADHESION DEFICIENCY 1 VARIANT. Identifiers: Orphanet 2968, Orphanet 99844, MedGen C2748536, MONDO:0013016, OMIM 612840.

Allele frequency attached by ClinVar (database versions not stated): gnomAD 0.00026 and 0.00022; 1000 Genomes Project 30x 0.00031; TOPMed 0.00032; ExAC 0.00036; gnomAD exomes 0.00040 and 0.00057; ESP Exome Variant Server 0.00062.
gnomAD v4.1: 884 of 1,614,014 alleles (0.055%); highest among the groups gnomAD compares: South Asian, 0.14%; 3 homozygotes.

Submissions (7):

PreventionGenetics, part of Exact Sciences
Classification: Uncertain significance for FERMT3-related condition. Last evaluated: 2026-02-16. Review status: criteria provided, single submitter. Criteria: ACMG Guidelines, 2015. Collection method: clinical testing. Allele origin: germline.
Comment: The FERMT3 c.320G>A variant is predicted to result in the amino acid substitution p.Arg107His. To our knowledge, this variant has not been reported in the literature. This variant is reported in 0.13% of alleles in individuals of South Asian descent in gnomAD. Although we suspect that this variant may be benign, at this time, the clinical significance of this variant is uncertain due to the absence of conclusive functional and genetic evidence.

Women's Health and Genetics/Laboratory Corporation of America, LabCorp
Classification: Likely benign. Last evaluated: 2026-02-10. Review status: criteria provided, single submitter. Criteria: LabCorp Variant Classification Summary - May 2015. Collection method: clinical testing. Allele origin: germline.
Comment: Variant summary: FERMT3 c.320G>A (p.Arg107His) results in a non-conservative amino acid change in the encoded protein sequence. Algorithms developed to predict the effect of missense changes on protein structure and function are either unavailable or do not agree on the potential impact of this missense change. The variant allele was found at a frequency of 0.0004 in 250952 control chromosomes, predominantly at a frequency of 0.0013 within the South Asian subpopulation in the gnomAD database, including 2 homozygotes. The observed variant frequency within South Asian control individuals in the gnomAD database exceeds the estimated maximal expected allele frequency for disease-causing variants in FERMT3. To our knowledge, no occurrence of c.320G>A in individuals affected with FERMT3-related conditions and no experimental evidence demonstrating its impact on protein function have been reported. ClinVar contains an entry for this variant (Variation ID: 537726). Based on the evidence outlined above, the variant was classified as likely benign.

Labcorp Genetics (formerly Invitae), Labcorp
Classification: Likely benign for Leukocyte adhesion deficiency 3. Last evaluated: 2026-01-26. Review status: criteria provided, single submitter. Criteria: Invitae Variant Classification Sherloc (09022015). Collection method: clinical testing. Allele origin: germline.

Mayo Clinic Laboratories, Mayo Clinic
Classification: Likely benign. Last evaluated: 2025-04-14. Review status: criteria provided, single submitter. Criteria: ACMG Guidelines, 2015. Collection method: clinical testing. Allele origin: germline. Observed: 1 variant allele.
Comment: BS2, BP4_moderate

Blueprint Genetics
Classification: Likely benign. Last evaluated: 2024-11-01. Review status: criteria provided, single submitter. Criteria: ACMG Guidelines, 2015. Collection method: clinical testing. Allele origin: germline.

Ambry Genetics
Classification: Uncertain significance for Inborn genetic diseases. Last evaluated: 2021-07-14. Review status: criteria provided, single submitter. Criteria: Ambry Variant Classification Scheme 2023. Collection method: clinical testing. Allele origin: germline.

Breakthrough Genomics
Classification: Likely benign. Review status: criteria provided, single submitter. Criteria: ACMG Guidelines, 2015. Collection method: not provided. Allele origin: germline. Inheritance: Autosomal recessive inheritance. Affected: yes.